The following is an entry in ClinVar:

NM_015158.5(KANK1):c.961A>C (p.Lys321Gln)

Gene: KANK1 (KN motif and ankyrin repeat domains 1; plus strand). Cytogenetic location: 9p24.3.
Variant type: single nucleotide variant.
Coding change: c.961A>C on transcript NM_015158.5 (MANE Select); coding-DNA position 961, A replaced by C.
Protein change: p.Lys321Gln; replaces lysine 321 with glutamine.
Molecular consequence: missense variant. On other transcripts: non-coding transcript variant (1).
Genome position (GRCh38, 1-based): chr9:711,727, A>C. VCF-style: chr9-711727-A-C. GRCh37 (hg19) VCF-style: chr9-711727-A-C.
Other names: c.961A>C, p.Lys321Gln (NM_001256876.3, NM_001256877.3, NM_001354331.2 and 2 more transcripts); c.487A>C, p.Lys163Gln (NM_001354333.2, NM_001354335.2, NM_001354336.2 and 9 more transcripts); short protein forms K163Q, K321Q.
Identifiers: ClinVar variation 3621559 (VCV003621559.2).

ClinVar aggregate classification (germline): Uncertain significance (1 of 4 stars; one submission).

gnomAD v4.1: 2 of 1,614,230 alleles (0.00012%); highest among the groups gnomAD compares: South Asian, 0.0022%; no homozygotes.

Submission:

Labcorp Genetics (formerly Invitae), Labcorp
Classification: Uncertain significance. Last evaluated: 2024-02-06. Review status: criteria provided, single submitter. Criteria: Invitae Variant Classification Sherloc (09022015). Collection method: clinical testing. Allele origin: germline.
Comment: This sequence change replaces lysine, which is basic and polar, with glutamine, which is neutral and polar, at codon 321 of the KANK1 protein (p.Lys321Gln). This variant is not present in population databases (gnomAD no frequency). This variant has not been reported in the literature in individuals affected with KANK1-related conditions. Advanced modeling of protein sequence and biophysical properties (such as structural, functional, and spatial information, amino acid conservation, physicochemical variation, residue mobility, and thermodynamic stability) performed at Invitae indicates that this missense variant is not expected to disrupt KANK1 protein function with a negative predictive value of 80%. In summary, the available evidence is currently insufficient to determine the role of this variant in disease. Therefore, it has been classified as a Variant of Uncertain Significance.